The following is an entry in ClinVar:

ClinVar aggregate classification (germline): Likely benign (1 of 4 stars; one submission).

Conditions:
Hereditary diffuse gastric adenocarcinoma (HDGC). Also called: DIFFUSE GASTRIC AND LOBULAR BREAST CANCER SYNDROME. Identifiers: Orphanet 26106, MedGen C1708349, MONDO:0007648, OMIM 137215.

Submission:

Myriad Genetics, Inc.
Classification: Likely benign for Hereditary diffuse gastric adenocarcinoma. Last evaluated: 2024-10-09. Review status: criteria provided, single submitter. Criteria: Myriad Autosomal Dominant, Autosomal Recessive and X-Linked Classification Criteria (2023). Collection method: clinical testing. Allele origin: unknown.
Comment: This variant is considered likely benign. This variant is intronic and is not expected to impact mRNA splicing.

NM_001903.5(CTNNA1):c.-2-10T>C

Gene: CTNNA1 (catenin alpha 1; plus strand). Cytogenetic location: 5q31.2.
Variant type: single nucleotide variant.
Coding change: c.-2-10T>C on transcript NM_001903.5 (MANE Select); 10 bases into the intron before 2 bases upstream of the start codon, T replaced by C.
Molecular consequence: intron variant.
Genome position (GRCh38, 1-based): chr5:138,781,913, T>C. VCF-style: chr5-138781913-T-C. GRCh37 (hg19) VCF-style: chr5-138117602-T-C.
Other names: c.-2-10T>C (NM_001323982.2, NM_001323984.2, NM_001290307.3 and 3 more transcripts); c.-208-10T>C (NM_001290310.3); c.-115-10T>C (NM_001290309.3).
Identifiers: ClinVar variation 3773224 (VCV003773224.1).
Genomic context (GRCh38, chr5:138,781,913, plus strand): 5'-GAGAAGATTTGTTACATATTTCATGTTTGTGTTTGATGTTTGCCTGACTGACTTTTTGTT[T>C]CTTATTTAGAAATGACTGCTGTCCATGCAGGCAACATAAACTTCAAGTGGGATCCTAAAA-3'